The following is an entry in ClinVar:

NM_019842.4(KCNQ5):c.2089T>C (p.Phe697Leu)

Gene: KCNQ5 (potassium voltage-gated channel subfamily Q member 5; plus strand). Cytogenetic location: 6q13.
Variant type: single nucleotide variant.
Coding change: c.2089T>C on transcript NM_019842.4 (MANE Select); coding-DNA position 2089, T replaced by C.
Protein change: p.Phe697Leu; replaces phenylalanine 697 with leucine.
Molecular consequence: missense variant.
Genome position (GRCh38, 1-based): chr6:73,194,704, T>C. VCF-style: chr6-73194704-T-C. GRCh37 (hg19) VCF-style: chr6-73904427-T-C.
Other names: c.2062T>C, p.Phe688Leu (NM_001160130.2); c.2119T>C, p.Phe707Leu (NM_001160132.2); c.2146T>C, p.Phe716Leu (NM_001160133.2); c.1759T>C, p.Phe587Leu (NM_001160134.2); short protein forms F587L, F707L, F716L, F697L, F688L.
Identifiers: ClinVar variation 3669133 (VCV003669133.2).

ClinVar aggregate classification (germline): Uncertain significance (1 of 4 stars; one submission).

gnomAD v4.1: 1 of 1,614,102 alleles (0.000062%); highest among the groups gnomAD compares: South Asian, 0.0011%; no homozygotes.

Submission:

Labcorp Genetics (formerly Invitae), Labcorp
Classification: Uncertain significance. Last evaluated: 2024-07-18. Review status: criteria provided, single submitter. Criteria: Invitae Variant Classification Sherloc (09022015). Collection method: clinical testing. Allele origin: germline.
Comment: This sequence change replaces phenylalanine, which is neutral and non-polar, with leucine, which is neutral and non-polar, at codon 716 of the KCNQ5 protein (p.Phe716Leu). This variant is not present in population databases (gnomAD no frequency). This variant has not been reported in the literature in individuals affected with KCNQ5-related conditions. Advanced modeling of protein sequence and biophysical properties (such as structural, functional, and spatial information, amino acid conservation, physicochemical variation, residue mobility, and thermodynamic stability) performed at Invitae indicates that this missense variant is not expected to disrupt KCNQ5 protein function with a negative predictive value of 95%. In summary, the available evidence is currently insufficient to determine the role of this variant in disease. Therefore, it has been classified as a Variant of Uncertain Significance.